The following is an entry in ClinVar:

ClinVar aggregate classification (germline): Conflicting classifications of pathogenicity. Review status: criteria provided, conflicting classifications (1 of 4 stars). 7 submissions from 7 submitters: Likely pathogenic (2); Uncertain significance (3). 2 of the submissions do not count toward it. Last evaluated 2025-08-18.

Conditions:
ATP7B-related disorder. Also called: ATP7B-related condition.
Wilson disease (WND). Also called: Wilson's disease. Identifiers: Orphanet 905, MedGen C0019202, MONDO:0010200, OMIM 277900. Disease mechanism: loss of function.

Allele frequency attached by ClinVar (database versions not stated): ExAC 0.00001; gnomAD exomes 0.00001.
gnomAD v4.1: 20 of 1,614,030 alleles (0.0012%); highest among the groups gnomAD compares: Non-Finnish European, 0.0017%; no homozygotes.

Submissions (7):

Color Diagnostics, LLC DBA Color Health
Classification: Uncertain significance for Wilson disease. Last evaluated: 2025-08-18. Review status: criteria provided, single submitter. Criteria: ACMG Guidelines, 2015. Collection method: clinical testing. Allele origin: germline.
Comment: This missense variant replaces proline with serine at codon 1037 of the ATP7B protein. Computational prediction suggests that this variant may have deleterious impact on protein structure and function. To our knowledge, functional studies have not been reported for this variant. This variant has been reported in individuals affected with Wilson disease (ClinVar Accession: SCV001385749.6, SCV002511715.2, SCV005339334.1) as well as in at least one additional individual with symptoms of kidney dysfunction (PMID: 36890159). This variant has been identified in 2/248880 chromosomes in the general population by the Genome Aggregation Database (gnomAD). Although there is suspicion that this variant may be associated with disease, additional studies are necessary to determine the role of this variant in disease conclusively. Therefore, this variant is classified as a Variant of Uncertain Significance.

Women's Health and Genetics/Laboratory Corporation of America, LabCorp
Classification: Uncertain significance. Last evaluated: 2025-06-18. Review status: criteria provided, single submitter. Criteria: LabCorp Variant Classification Summary - May 2015. Collection method: clinical testing. Allele origin: germline.
Comment: Variant summary: ATP7B c.3109C>T (p.Pro1037Ser) results in a non-conservative amino acid change in the encoded protein sequence. Algorithms developed to predict the effect of missense changes on protein structure and function all suggest that this variant is likely to be disruptive. The variant allele was found at a frequency of 8e-06 in 248880 control chromosomes. The available data on variant occurrences in the general population are insufficient to allow any conclusion about variant significance. c.3109C>T has been observed in individual(s) affected with Wilson Disease (internal_testing). These report(s) do not provide unequivocal conclusions about association of the variant with Wilson Disease. To our knowledge, no experimental evidence demonstrating an impact on protein function has been reported. ClinVar contains an entry for this variant (Variation ID: 943816). Based on the evidence outlined above, the variant was classified as uncertain significance.

Fulgent Genetics
Classification: Likely pathogenic for Wilson disease. Last evaluated: 2024-01-09. Review status: criteria provided, single submitter. Criteria: ACMG Guidelines, 2015. Collection method: clinical testing. Allele origin: germline.

All of Us Research Program, National Institutes of Health
Classification: Uncertain significance for Wilson disease. Last evaluated: 2023-02-24. Review status: criteria provided, single submitter. Criteria: ACMG Guidelines, 2015. Collection method: clinical testing. Allele origin: germline. Inheritance: Autosomal recessive inheritance. Observed: 1 variant allele, 1 heterozygote.
Comment: This missense variant replaces proline with serine at codon 1037 of the ATP7B protein. Computational prediction suggests that this variant may have deleterious impact on protein structure and function (internally defined REVEL score threshold >= 0.7, PMID: 27666373). To our knowledge, functional studies have not been reported for this variant. This variant has not been reported in individuals affected with ATP7B-related disorders in the literature. This variant has been identified in 2/248880 chromosomes in the general population by the Genome Aggregation Database (gnomAD). The available evidence is insufficient to determine the role of this variant in disease conclusively. Therefore, this variant is classified as a Variant of Uncertain Significance.

This study involves interpretation of variants in research participants for the purpose of population health screening. Participant phenotype was not available at the time of variant classification. Additional details can be found in publication PMID: 35346344, PMCID: PMC8962531

Labcorp Genetics (formerly Invitae), Labcorp
Classification: Likely pathogenic for Wilson disease. Last evaluated: 2022-02-10. Review status: criteria provided, single submitter. Criteria: Invitae Variant Classification Sherloc (09022015). Collection method: clinical testing. Allele origin: germline.
Comment: In summary, the currently available evidence indicates that the variant is pathogenic, but additional data are needed to prove that conclusively. Therefore, this variant has been classified as Likely Pathogenic. This sequence change replaces proline, which is neutral and non-polar, with serine, which is neutral and polar, at codon 1037 of the ATP7B protein (p.Pro1037Ser). This variant is present in population databases (rs750891085, gnomAD 0.002%). This missense change has been observed in individual(s) with Wilson disease (Invitae). In at least one individual the data is consistent with being in trans (on the opposite chromosome) from a pathogenic variant. ClinVar contains an entry for this variant (Variation ID: 943816). Advanced modeling of protein sequence and biophysical properties (such as structural, functional, and spatial information, amino acid conservation, physicochemical variation, residue mobility, and thermodynamic stability) performed at Invitae indicates that this missense variant is expected to disrupt ATP7B protein function.

PreventionGenetics, part of Exact Sciences
Classification: Likely pathogenic for ATP7B-related condition. Last evaluated: 2024-06-19. Review status: no assertion criteria provided. Collection method: clinical testing. Allele origin: germline. Not counted in ClinVar's aggregate classification.
Comment: The ATP7B c.3109C>T variant is predicted to result in the amino acid substitution p.Pro1037Ser. To our knowledge, this variant has not been reported in the literature. This variant is reported in 0.0018% of alleles in individuals of European (Non-Finnish) descent in gnomAD. This variant is interpreted as likely pathogenic.

Natera, Inc.
Classification: Uncertain significance for Wilson disease. Last evaluated: 2021-09-07. Review status: no assertion criteria provided. Collection method: clinical testing. Allele origin: germline. Not counted in ClinVar's aggregate classification.

Literature cited by the submitters: PubMed 36890159 (cited by Color Diagnostics, LLC DBA Color Health).

NM_000053.4(ATP7B):c.3109C>T (p.Pro1037Ser)

Gene: ATP7B (ATPase copper transporting beta; minus strand). Cytogenetic location: 13q14.3.
Variant type: single nucleotide variant.
Coding change: c.3109C>T on transcript NM_000053.4 (MANE Select); coding-DNA position 3109, C replaced by T.
Protein change: p.Pro1037Ser; replaces proline 1037 with serine.
Molecular consequence: missense variant.
Genome position (GRCh38, 1-based): chr13:51,944,243, G>A on the plus strand (C>T on the coding strand, the complement: ATP7B is on the minus strand). VCF-style: chr13-51944243-G-A. GRCh37 (hg19) VCF-style: chr13-52518379-G-A.
Other names: c.2488C>T, p.Pro830Ser (NM_001005918.3); c.2776C>T, p.Pro926Ser (NM_001243182.2); c.2875C>T, p.Pro959Ser (NM_001330578.2); c.2857C>T, p.Pro953Ser (NM_001330579.2); short protein forms P1037S, P830S, P953S, P926S, P959S.
Identifiers: ClinVar variation 943816 (VCV000943816.17), dbSNP rs750891085, ClinGen allele CA6988806.